The following is an entry in ClinVar:

NM_024675.4(PALB2):c.2515-1G>A

Gene: PALB2 (partner and localizer of BRCA2; minus strand). Cytogenetic location: 16p12.2.
Variant type: single nucleotide variant.
Coding change: c.2515-1G>A on transcript NM_024675.4 (MANE Select); the canonical splice acceptor site of the intron before coding-DNA position 2515, G replaced by A.
Molecular consequence: splice acceptor variant. On other transcripts: intron variant (1).
Genome position (GRCh38, 1-based): chr16:23,629,276, C>T on the plus strand (G>A on the coding strand, the complement: PALB2 is on the minus strand). VCF-style: chr16-23629276-C-T. GRCh37 (hg19) VCF-style: chr16-23640597-C-T.
Other names: c.1630-1G>A (NM_001407308.1, NM_001407306.1, NM_001407307.1 and 5 more transcripts); c.49-1G>A (NM_001407314.1); c.727-1G>A (NM_001407313.1, NM_001407312.1); c.2455-1G>A (NM_001407296.1); c.2514+364G>A (NM_001407297.1); c.2515-1G>A (NM_001407302.1, NM_001407298.1, NM_001407300.1 and 2 more transcripts).
Identifiers: ClinVar variation 582926 (VCV000582926.18), dbSNP rs587776417, ClinGen allele CA395123879.
Genomic context (GRCh38, chr16:23,629,276, plus strand): 5'-AACCAATTGTAGGTTGCCTGGGTTTATGCTATCAGAAGCAGGAAGCTCTGCTGTTTCAGT[C>T]TGTGAAAACAAAAGTCACATCATTAGTCTACACTTTATGTATAATGTCTGCCTGCATTAC-3'

ClinVar aggregate classification (germline): Likely pathogenic. Review status: criteria provided, multiple submitters, no conflicts (2 of 4 stars). 5 submissions from 5 submitters: Likely pathogenic (5). Last evaluated 2025-12-01.

Conditions:
Pancreatic cancer, susceptibility to, 3. Identifiers: Orphanet 1333, MedGen C3150547, MONDO:0013236, OMIM 613348.
Breast cancer, susceptibility to. Identifiers: MedGen C3469522. Disease mechanism: gain of function.
Familial cancer of breast. Also called: Hereditary breast cancer; hereditary breast carcinoma; BREAST CANCER, FAMILIAL. Identifiers: Orphanet 227535, MedGen C0346153, MONDO:0016419, OMIM 114480. Disease mechanism: loss of function.
Hereditary cancer-predisposing syndrome. Also called: Neoplastic Syndromes, Hereditary; Hereditary Cancer Syndrome; Tumor predisposition; Hereditary neoplastic syndrome. Identifiers: Orphanet 140162, MedGen C0027672, MeSH D009386, MONDO:0015356.

Allele frequency attached by ClinVar (database versions not stated): TOPMed below 0.00001.

Submissions (5):

Labcorp Genetics (formerly Invitae), Labcorp
Classification: Likely pathogenic for Familial cancer of breast. Last evaluated: 2025-12-01. Review status: criteria provided, single submitter. Criteria: Invitae Variant Classification Sherloc (09022015). Collection method: clinical testing. Allele origin: germline.
Comment: This sequence change affects an acceptor splice site in intron 5 of the PALB2 gene. RNA analysis indicates that disruption of this splice site induces altered splicing and likely results in a shortened protein product. This variant is not present in population databases (gnomAD no frequency). Disruption of this splice site has been observed in individual(s) with breast cancer and pancreatic cancer (PMID: 19264984, 21285249). ClinVar contains an entry for this variant (Variation ID: 582926). Studies have shown that disruption of this splice site results in skipping of exon 6, but is expected to preserve the integrity of the reading-frame (PMID: 21285249, 26990772, 30890586). In summary, the currently available evidence indicates that the variant is pathogenic, but additional data are needed to prove that conclusively. Therefore, this variant has been classified as Likely Pathogenic.

Ambry Genetics
Classification: Likely pathogenic for Hereditary cancer-predisposing syndrome. Last evaluated: 2025-04-02. Review status: criteria provided, single submitter. Criteria: Ambry Variant Classification Scheme 2023. Collection method: clinical testing. Allele origin: germline.
Comment: The c.2515-1G>A intronic variant results from a G to A substitution one nucleotide upstream from coding exon 6 of the PALB2 gene. Another alteration at this same nucleotide position, c.2515G>T has been detected in patients with familial pancreatic cancer and familial breast cancer (Jones S et al. Science, 2009 Apr;324:217; Casadei S et al. Cancer Res., 2011 Mar;71:2222-9; Antoniou AC et al. N. Engl. J. Med., 2014 Aug;371:497-506). This nucleotide position is highly conserved in available vertebrate species. In silico splice site analysis predicts that this alteration will weaken the native splice acceptor site; however, direct evidence is insufficient at this time (Ambry internal data). Alterations that disrupt the canonical splice site are expected to cause aberrant splicing, resulting in an abnormal protein or a transcript that is subject to nonsense-mediated mRNA decay. As such, this alteration is classified as likely pathogenic.

Color Diagnostics, LLC DBA Color Health
Classification: Likely pathogenic for Hereditary cancer-predisposing syndrome. Last evaluated: 2024-02-20. Review status: criteria provided, single submitter. Criteria: ACMG Guidelines, 2015. Collection method: clinical testing. Allele origin: germline.
Comment: This variant causes a G to A nucleotide substitution at the -1 position of intron 15 of the PALB2 gene. Splice site prediction tools predict that this variant may have a significant impact on RNA splicing. A different variant at the same position c.2515-1G>T has been shown to cause the in-frame skipping of exon 6, resulting in p.Thr838_Lys862del in the functionally important WD40 repeats domain (PMID: 21285249). The in-frame skipping of exon 16 has been reported to produce a hypomorphic unstable PALB2 variant protein and is considered to be loss-of-function (PMID: 26990772, 30890586). To our knowledge, this variant has not been reported in individuals affected with PALB2-related disorders in the literature. However, another variant at this position has been reported in individuals affected with breast and pancreatic cancer (PMID: 19264984, 21285249). This variant has not been identified in the general population by the Genome Aggregation Database (gnomAD). Based on the available evidence, this variant is classified as Likely Pathogenic.

Baylor Genetics
Classification: Likely pathogenic for Familial cancer of breast. Last evaluated: 2022-08-11. Review status: criteria provided, single submitter. Criteria: ACMG Guidelines, 2015. Collection method: clinical testing. Allele origin: unknown.

Human Genome Sequencing Center Clinical Lab, Baylor College of Medicine
Classification: Likely pathogenic for Susceptibility to breast cancer; Pancreatic cancer susceptibility 3. Last evaluated: 2018-10-14. Review status: criteria provided, single submitter. Criteria: ACMG Guidelines, 2015. Collection method: clinical testing. Allele origin: germline.
Comment: The c.2515-1G>A variant in the PALB2 gene is predicted to disrupt a canonical splice donor site and thus alter mRNA splicing. This variant has never been reported in the general population. Therefore, this c.2515-1G>A variant in the PALB2 gene is classified as likely pathogenic.

Literature cited by the submitters: PubMed 19264984 (cited by 3 submitters); PubMed 21285249 (cited by 3 submitters); PubMed 26990772 (cited by Labcorp Genetics (formerly Invitae), Labcorp and Color Diagnostics, LLC DBA Color Health); PubMed 30890586 (cited by Labcorp Genetics (formerly Invitae), Labcorp and Color Diagnostics, LLC DBA Color Health); PubMed 25099575 (cited by Ambry Genetics).